The following is an entry in ClinVar:

ClinVar aggregate classification (germline): Uncertain significance (1 of 4 stars; one submission).

Allele frequency attached by ClinVar (database versions not stated): gnomAD 0.00001.

Submission:

Labcorp Genetics (formerly Invitae), Labcorp
Classification: Uncertain significance. Last evaluated: 2024-12-18. Review status: criteria provided, single submitter. Criteria: Invitae Variant Classification Sherloc (09022015). Collection method: clinical testing. Allele origin: germline.
Comment: This sequence change replaces lysine, which is basic and polar, with glutamic acid, which is acidic and polar, at codon 1094 of the CACNA1F protein (p.Lys1094Glu). This variant is present in population databases (no rsID available, gnomAD 0.02%). This variant has not been reported in the literature in individuals affected with CACNA1F-related conditions. ClinVar contains an entry for this variant (Variation ID: 1485916). Invitae Evidence Modeling of protein sequence and biophysical properties (such as structural, functional, and spatial information, amino acid conservation, physicochemical variation, residue mobility, and thermodynamic stability) indicates that this missense variant is not expected to disrupt CACNA1F protein function with a negative predictive value of 80%. In summary, the available evidence is currently insufficient to determine the role of this variant in disease. Therefore, it has been classified as a Variant of Uncertain Significance.

NM_001256789.3(CACNA1F):c.3247A>G (p.Lys1083Glu)

Gene: CACNA1F (calcium voltage-gated channel subunit alpha1 F; minus strand). Cytogenetic location: Xp11.23.
Variant type: single nucleotide variant.
Coding change: c.3247A>G on transcript NM_001256789.3 (MANE Select); coding-DNA position 3247, A replaced by G.
Protein change: p.Lys1083Glu; replaces lysine 1083 with glutamic acid.
Molecular consequence: missense variant.
Genome position (GRCh38, 1-based): chrX:49,215,533, T>C on the plus strand (A>G on the coding strand, the complement: CACNA1F is on the minus strand). VCF-style: chrX-49215533-T-C. GRCh37 (hg19) VCF-style: chrX-49071993-T-C.
Other names: c.3085A>G, p.Lys1029Glu (NM_001256790.3); c.3280A>G, p.Lys1094Glu (NM_005183.4); short protein forms K1094E, K1029E, K1083E.
Identifiers: ClinVar variation 1485916 (VCV001485916.8), dbSNP rs1557107226, ClinGen allele CA412963816.